The following is an entry in ClinVar:

ClinVar aggregate classification (germline): Uncertain significance (1 of 4 stars; one submission).

Submission:

GeneDx
Classification: Uncertain significance. Last evaluated: 2024-10-04. Review status: criteria provided, single submitter. Criteria: GeneDx Variant Classification Process June 2021. Collection method: clinical testing. Allele origin: germline. Affected: yes.
Comment: Not observed at significant frequency in large population cohorts (gnomAD); Nonsense variant predicted to result in protein truncation or nonsense mediated decay in a gene or region of a gene for which loss of function is not a well-established mechanism of disease; Has not been previously published as pathogenic or benign to our knowledge

NM_006445.4(PRPF8):c.4348C>T (p.Gln1450Ter)

Gene: PRPF8 (pre-mRNA processing factor 8; minus strand). Cytogenetic location: 17p13.3.
Variant type: single nucleotide variant.
Coding change: c.4348C>T on transcript NM_006445.4 (MANE Select); coding-DNA position 4348, C replaced by T.
Protein change: p.Gln1450Ter; replaces glutamine 1450 with a stop codon.
Molecular consequence: nonsense.
Genome position (GRCh38, 1-based): chr17:1,661,153, G>A on the plus strand (C>T on the coding strand, the complement: PRPF8 is on the minus strand). VCF-style: chr17-1661153-G-A. GRCh37 (hg19) VCF-style: chr17-1564447-G-A.
Other names: short protein forms Q1450*.
Identifiers: ClinVar variation 3776348 (VCV003776348.1).